The following is an entry in ClinVar:

NM_020433.5(JPH2):c.1492A>G (p.Arg498Gly)

Gene: JPH2 (junctophilin 2; minus strand). Cytogenetic location: 20q13.12.
Variant type: single nucleotide variant.
Coding change: c.1492A>G on transcript NM_020433.5 (MANE Select); coding-DNA position 1492, A replaced by G.
Protein change: p.Arg498Gly; replaces arginine 498 with glycine.
Molecular consequence: missense variant.
Genome position (GRCh38, 1-based): chr20:44,116,183, T>C on the plus strand (A>G on the coding strand, the complement: JPH2 is on the minus strand). VCF-style: chr20-44116183-T-C. GRCh37 (hg19) VCF-style: chr20-42744823-T-C.
Other names: short protein forms R498G.
Identifiers: ClinVar variation 3624466 (VCV003624466.2).

ClinVar aggregate classification (germline): Uncertain significance (1 of 4 stars; one submission).

Conditions:
Hypertrophic cardiomyopathy. Also called: HYPERTROPHIC MYOCARDIOPATHY. Identifiers: Orphanet 217569, MedGen C0007194, MeSH D002312, MONDO:0005045, HP:0001639.

gnomAD v4.1: 1 of 1,391,990 alleles (0.000072%); highest among the groups gnomAD compares: Non-Finnish European, 0.000092%; no homozygotes.

Submission:

Labcorp Genetics (formerly Invitae), Labcorp
Classification: Uncertain significance for Hypertrophic cardiomyopathy. Last evaluated: 2024-05-17. Review status: criteria provided, single submitter. Criteria: Invitae Variant Classification Sherloc (09022015). Collection method: clinical testing. Allele origin: germline.
Comment: This sequence change replaces arginine, which is basic and polar, with glycine, which is neutral and non-polar, at codon 498 of the JPH2 protein (p.Arg498Gly). This variant is not present in population databases (gnomAD no frequency). This variant has not been reported in the literature in individuals affected with JPH2-related conditions. An algorithm developed to predict the effect of missense changes on protein structure and function (PolyPhen-2) suggests that this variant is likely to be tolerated. In summary, the available evidence is currently insufficient to determine the role of this variant in disease. Therefore, it has been classified as a Variant of Uncertain Significance.